The following is an entry in ClinVar:

ClinVar aggregate classification (germline): Benign/Likely benign. Review status: criteria provided, multiple submitters, no conflicts (2 of 4 stars). 9 submissions from 6 submitters: Benign (5); Likely benign (4). Last evaluated 2026-03-23.

Conditions:
Dilated cardiomyopathy 1G (CMD1G). Identifiers: Orphanet 154, MedGen C1858763, MONDO:0011400, OMIM 604145.
Autosomal recessive limb-girdle muscular dystrophy type 2J (LGMDR10). Also called: MUSCULAR DYSTROPHY, LIMB-GIRDLE, AUTOSOMAL RECESSIVE 10; Limb-girdle muscular dystrophy, type 2J. Identifiers: Orphanet 140922, MedGen C1837342, MONDO:0012127, OMIM 608807.
Cardiovascular phenotype. Identifiers: MedGen CN230736.
Early-onset myopathy with fatal cardiomyopathy (CMYO5). Also called: CONGENITAL MYOPATHY 5 WITH CARDIOMYOPATHY; Salih Myopathy. Identifiers: Orphanet 289377, MedGen C2673677, MONDO:0012714, OMIM 611705. Disease mechanism: loss of function.
Myopathy, myofibrillar, 9, with early respiratory failure (MFM9). Also called: Hereditary myopathy with early respiratory failure; EDSTROM MYOPATHY; Myopathy, distal, with early respiratory failure, autosomal dominant; MYOPATHY, PROXIMAL, WITH EARLY RESPIRATORY MUSCLE INVOLVEMENT. Identifiers: Orphanet 178464, Orphanet 34521, MedGen C1863599, MONDO:0011362, OMIM 603689.
Tibial muscular dystrophy (TMD). Also called: Udd Distal Myopathy – Tibial Muscular Dystrophy; Tibial muscular dystrophy, tardive; UDD MYOPATHY. Identifiers: Orphanet 609, MedGen C1838244, MONDO:0010870, OMIM 600334.

Allele frequency attached by ClinVar (database versions not stated): ExAC 0.00001; TOPMed 0.00002; gnomAD 0.00001; gnomAD exomes 0.00001; 1000 Genomes Project 30x 0.00016; 1000 Genomes Project 0.00020.
gnomAD v4.1: 16 of 1,613,322 alleles (0.00099%); highest among the groups gnomAD compares: East Asian, 0.011%; no homozygotes.

Submissions (9):

Women's Health and Genetics/Laboratory Corporation of America, LabCorp
Classification: Likely benign. Last evaluated: 2026-03-23. Review status: criteria provided, single submitter. Criteria: LabCorp Variant Classification Summary - May 2015. Collection method: clinical testing. Allele origin: germline.

Labcorp Genetics (formerly Invitae), Labcorp
Classification: Likely benign for Dilated cardiomyopathy 1G; Autosomal recessive limb-girdle muscular dystrophy type 2J. Last evaluated: 2025-12-09. Review status: criteria provided, single submitter. Criteria: Invitae Variant Classification Sherloc (09022015). Collection method: clinical testing. Allele origin: germline.

Molecular Diagnostic Laboratory for Inherited Cardiovascular Disease, Montreal Heart Institute
Classification: Likely benign. Last evaluated: 2025-04-09. Review status: criteria provided, single submitter. Criteria: ACMG Guidelines, 2015. Collection method: clinical testing. Allele origin: germline. Affected: no.

Genome-Nilou Lab
Classification: Benign for Autosomal recessive limb-girdle muscular dystrophy type 2J. Last evaluated: 2021-09-10. Review status: criteria provided, single submitter. Criteria: ACMG Guidelines, 2015. Collection method: clinical testing. Allele origin: germline. Affected: no.

Genome-Nilou Lab
Classification: Benign for Myopathy, myofibrillar, 9, with early respiratory failure. Last evaluated: 2021-09-10. Review status: criteria provided, single submitter. Criteria: ACMG Guidelines, 2015. Collection method: clinical testing. Allele origin: germline. Affected: no.

Genome-Nilou Lab
Classification: Benign for Early-onset myopathy with fatal cardiomyopathy. Last evaluated: 2021-09-10. Review status: criteria provided, single submitter. Criteria: ACMG Guidelines, 2015. Collection method: clinical testing. Allele origin: germline. Affected: no.

Genome-Nilou Lab
Classification: Benign for Tibial muscular dystrophy. Last evaluated: 2021-09-10. Review status: criteria provided, single submitter. Criteria: ACMG Guidelines, 2015. Collection method: clinical testing. Allele origin: germline. Affected: no.

Ambry Genetics
Classification: Likely benign for Cardiovascular phenotype. Last evaluated: 2019-12-18. Review status: criteria provided, single submitter. Criteria: Ambry Variant Classification Scheme 2023. Collection method: clinical testing. Allele origin: germline.

GeneDx
Classification: Benign. Last evaluated: 2014-11-18. Review status: criteria provided, single submitter. Criteria: GeneDx Variant Classification (06012015). Collection method: clinical testing. Allele origin: germline. Affected: yes.
Comment: This variant is considered likely benign or benign based on one or more of the following criteria: it is a conservative change, it occurs at a poorly conserved position in the protein, it is predicted to be benign by multiple in silico algorithms, and/or has population frequency not consistent with disease.

NM_001267550.2(TTN):c.60621T>C (p.Tyr20207=)

Genes: TTN-AS1 (TTN antisense RNA 1; plus strand), TTN (titin; minus strand). Cytogenetic location: 2q31.2.
Variant type: single nucleotide variant.
Coding change: c.60621T>C on transcript NM_001267550.2 (MANE Select); coding-DNA position 60621, T replaced by C.
Protein change: p.Tyr20207=; no amino-acid change (tyrosine 20207 retained).
Molecular consequence: synonymous variant.
Genome position (GRCh38, 1-based): chr2:178,591,104, A>G on the plus strand (T>C on the coding strand, the complement: TTN is on the minus strand). VCF-style: chr2-178591104-A-G. GRCh37 (hg19) VCF-style: chr2-179455831-A-G.
Other names: p.Y18566Y:TAT>TAC; c.55698T>C, p.Tyr18566= (NM_001256850.1); c.33426T>C, p.Tyr11142= (NM_003319.4); c.52917T>C, p.Tyr17639= (NM_133378.4); c.33801T>C, p.Tyr11267= (NM_133432.3); c.34002T>C, p.Tyr11334= (NM_133437.4).
Identifiers: ClinVar variation 202277 (VCV000202277.17), dbSNP rs376959563, ClinGen allele CA308959.